The following is an entry in ClinVar:

ClinVar aggregate classification (germline): Uncertain significance. Review status: criteria provided, multiple submitters, no conflicts (2 of 4 stars). 2 submissions from 2 submitters: Uncertain significance (2). Last evaluated 2021-07-15.

Conditions:
Intellectual disability, autosomal recessive 53 (NEDHSCA). Also called: NEURODEVELOPMENTAL DISORDER WITH OR WITHOUT HYPOTONIA, SEIZURES, AND CEREBELLAR ATROPHY; GLYCOSYLPHOSPHATIDYLINOSITOL BIOSYNTHESIS DEFECT 13; Mental retardation, autosomal recessive 53. Identifiers: Orphanet 488635, MedGen C4310794, MONDO:0014832, OMIM 616917.
Inborn genetic diseases. Identifiers: MedGen C0950123, MeSH D030342.

Submissions (2):

Ambry Genetics
Classification: Uncertain significance for Inborn genetic diseases. Last evaluated: 2021-07-15. Review status: criteria provided, single submitter. Criteria: Ambry Variant Classification Scheme 2023. Collection method: clinical testing. Allele origin: germline.

Labcorp Genetics (formerly Invitae), Labcorp
Classification: Uncertain significance for Intellectual disability, autosomal recessive 53. Last evaluated: 2021-03-25. Review status: criteria provided, single submitter. Criteria: Invitae Variant Classification Sherloc (09022015). Collection method: clinical testing. Allele origin: germline.
Comment: This sequence change replaces tyrosine with cysteine at codon 934 of the PIGG protein (p.Tyr934Cys). The tyrosine residue is moderately conserved and there is a large physicochemical difference between tyrosine and cysteine. This variant is not present in population databases (ExAC no frequency). In summary, the available evidence is currently insufficient to determine the role of this variant in disease. Therefore, it has been classified as a Variant of Uncertain Significance. Algorithms developed to predict the effect of missense changes on protein structure and function are either unavailable or do not agree on the potential impact of this missense change (SIFT: "Deleterious"; PolyPhen-2: "Probably Damaging"; Align-GVGD: "Class C0"). This variant has not been reported in the literature in individuals with PIGG-related conditions.

NM_001127178.3(PIGG):c.2801A>G (p.Tyr934Cys)

Gene: PIGG (phosphatidylinositol glycan anchor biosynthesis class G (EMM blood group); plus strand). Cytogenetic location: 4p16.3.
Variant type: single nucleotide variant.
Coding change: c.2801A>G on transcript NM_001127178.3 (MANE Select); coding-DNA position 2801, A replaced by G.
Protein change: p.Tyr934Cys; replaces tyrosine 934 with cysteine.
Molecular consequence: missense variant. On other transcripts: non-coding transcript variant (10).
Genome position (GRCh38, 1-based): chr4:539,218, A>G. VCF-style: chr4-539218-A-G. GRCh37 (hg19) VCF-style: chr4-533007-A-G.
Other names: c.2801A>G (NM_001127178.1); c.2534A>G, p.Tyr845Cys (NM_001289051.2, NM_001345986.2); c.2402A>G, p.Tyr801Cys (NM_001289052.2); c.2510A>G, p.Tyr837Cys (NM_001345987.2); c.1772A>G, p.Tyr591Cys (NM_001345988.2); c.1268A>G, p.Tyr423Cys (NM_001345990.2, NM_001345991.2); c.1703A>G, p.Tyr568Cys (NM_001345994.2); c.2777A>G, p.Tyr926Cys (NM_017733.5); short protein forms Y591C, Y423C, Y934C, Y568C, Y801C, Y837C, Y845C, Y926C.
Identifiers: ClinVar variation 1519646 (VCV001519646.9), dbSNP rs999292149, ClinGen allele CA91081662.